The following is an entry in ClinVar:

ClinVar aggregate classification (germline): Uncertain significance (1 of 4 stars; one submission).

Allele frequency attached by ClinVar (database versions not stated): gnomAD exomes below 0.00001.
gnomAD v4.1: 2 of 1,542,594 alleles (0.00013%); highest among the groups gnomAD compares: African/African-American, 0.0014%; no homozygotes.

Submission:

GeneDx
Classification: Uncertain significance. Last evaluated: 2022-11-09. Review status: criteria provided, single submitter. Criteria: GeneDx Variant Classification Process June 2021. Collection method: clinical testing. Allele origin: germline. Affected: yes.
Comment: Not observed at significant frequency in large population cohorts (gnomAD); In silico analysis supports that this missense variant does not alter protein structure/function; Has not been previously published as pathogenic or benign to our knowledge

NM_001374828.1(ARID1B):c.571C>G (p.Gln191Glu)

Genes: ARID1B (AT-rich interaction domain 1B; plus strand), LOC115308161 (uncharacterized LOC115308161; minus strand). Cytogenetic location: 6q25.3.
Variant type: single nucleotide variant.
Coding change: c.571C>G on transcript NM_001374828.1 (MANE Select); coding-DNA position 571, C replaced by G.
Protein change: p.Gln191Glu; replaces glutamine 191 with glutamic acid.
Molecular consequence: missense variant. On other transcripts: non-coding transcript variant (1).
Genome position (GRCh38, 1-based): chr6:156,778,251, C>G. VCF-style: chr6-156778251-C-G. GRCh37 (hg19) VCF-style: chr6-157099385-C-G.
Other names: c.322C>G, p.Gln108Glu (NM_001346813.1, NM_020732.3); c.571C>G, p.Gln191Glu (NM_001371656.1, NM_001374820.1, NM_017519.3); c.148C>G, p.Gln50Glu (NM_175863.2); short protein forms Q108E, Q191E, Q50E.
Identifiers: ClinVar variation 2502015 (VCV002502015.1), dbSNP rs1778806102, ClinGen allele CA366381613.